The following is an entry in ClinVar:

NM_022051.3(EGLN1):c.1012G>C (p.Val338Leu)

Gene: EGLN1 (egl-9 family hypoxia inducible factor 1; minus strand). Cytogenetic location: 1q42.2.
Variant type: single nucleotide variant.
Coding change: c.1012G>C on transcript NM_022051.3 (MANE Select); coding-DNA position 1012, G replaced by C.
Protein change: p.Val338Leu; replaces valine 338 with leucine.
Molecular consequence: missense variant. On other transcripts: intron variant (1).
Genome position (GRCh38, 1-based): chr1:231,370,698, C>G on the plus strand (G>C on the coding strand, the complement: EGLN1 is on the minus strand). VCF-style: chr1-231370698-C-G. GRCh37 (hg19) VCF-style: chr1-231506444-C-G.
Other names: c.1012G>C, p.Val338Leu (NM_001377260.1); c.1012-3062G>C (NM_001377261.1); short protein forms V338L.
Identifiers: ClinVar variation 1408451 (VCV001408451.10), dbSNP rs1687797398, ClinGen allele CA345240681.

ClinVar aggregate classification (germline): Uncertain significance. Review status: criteria provided, multiple submitters, no conflicts (2 of 4 stars). 2 submissions from 2 submitters: Uncertain significance (2). Last evaluated 2026-07-03.

Conditions:
Erythrocytosis, familial, 3 (ECYT3). Identifiers: Orphanet 247511, MedGen C1853286, MONDO:0012353, OMIM 609820.

Allele frequency attached by ClinVar (database versions not stated): gnomAD exomes below 0.00001.
gnomAD v4.1: 2 of 1,613,984 alleles (0.00012%); highest among the groups gnomAD compares: Non-Finnish European, 0.00017%; no homozygotes.

Submissions (2):

Ambry Genetics
Classification: Uncertain significance. Last evaluated: 2026-07-03. Review status: criteria provided, single submitter. Criteria: Ambry Variant Classification Scheme 2023. Collection method: clinical testing. Allele origin: germline.

Labcorp Genetics (formerly Invitae), Labcorp
Classification: Uncertain significance for Erythrocytosis, familial, 3. Last evaluated: 2022-09-01. Review status: criteria provided, single submitter. Criteria: Invitae Variant Classification Sherloc (09022015). Collection method: clinical testing. Allele origin: germline.
Comment: In summary, the available evidence is currently insufficient to determine the role of this variant in disease. Therefore, it has been classified as a Variant of Uncertain Significance. Algorithms developed to predict the effect of sequence changes on RNA splicing suggest that this variant may create or strengthen a splice site. Algorithms developed to predict the effect of missense changes on protein structure and function (SIFT, PolyPhen-2, Align-GVGD) all suggest that this variant is likely to be tolerated. ClinVar contains an entry for this variant (Variation ID: 1408451). This variant has not been reported in the literature in individuals affected with EGLN1-related conditions. This variant is not present in population databases (gnomAD no frequency). This sequence change replaces valine, which is neutral and non-polar, with leucine, which is neutral and non-polar, at codon 338 of the EGLN1 protein (p.Val338Leu).